The following is an entry in ClinVar:

ClinVar aggregate classification (germline): Uncertain significance. Review status: criteria provided, multiple submitters, no conflicts (2 of 4 stars). 2 submissions from 2 submitters: Uncertain significance (2). Last evaluated 2025-07-29.

Conditions:
Hereditary cancer-predisposing syndrome. Also called: Tumor predisposition; Hereditary neoplastic syndrome; Hereditary Cancer Syndrome; Neoplastic Syndromes, Hereditary. Identifiers: Orphanet 140162, MedGen C0027672, MeSH D009386, MONDO:0015356.
EGFR-related lung cancer (EGFR). Identifiers: MedGen CN130014.

Allele frequency attached by ClinVar (database versions not stated): gnomAD exomes below 0.00001 and 0.00001; gnomAD 0.00001 and 0.00002; TOPMed 0.00001.
gnomAD v4.1: 18 of 1,613,058 alleles (0.0011%); highest among the groups gnomAD compares: South Asian, 0.011%; no homozygotes.

Submissions (2):

Labcorp Genetics (formerly Invitae), Labcorp
Classification: Uncertain significance for EGFR-related lung cancer. Last evaluated: 2025-07-29. Review status: criteria provided, single submitter. Criteria: Invitae Variant Classification Sherloc (09022015). Collection method: clinical testing. Allele origin: germline.
Comment: This sequence change replaces aspartic acid, which is acidic and polar, with asparagine, which is neutral and polar, at codon 1084 of the EGFR protein (p.Asp1084Asn). The frequency data for this variant in the population databases is considered unreliable, as metrics indicate poor data quality at this position in the gnomAD database. This variant has not been reported in the literature in individuals affected with EGFR-related conditions. ClinVar contains an entry for this variant (Variation ID: 1052957). An algorithm developed to predict the effect of missense changes on protein structure and function (PolyPhen-2) suggests that this variant is likely to be tolerated. In summary, the available evidence is currently insufficient to determine the role of this variant in disease. Therefore, it has been classified as a Variant of Uncertain Significance.

Ambry Genetics
Classification: Uncertain significance for Hereditary cancer-predisposing syndrome. Last evaluated: 2025-05-27. Review status: criteria provided, single submitter. Criteria: Ambry Variant Classification Scheme 2023. Collection method: clinical testing. Allele origin: germline.
Comment: The p.D1084N variant (also known as c.3250G>A), located in coding exon 27 of the EGFR gene, results from a G to A substitution at nucleotide position 3250. The aspartic acid at codon 1084 is replaced by asparagine, an amino acid with highly similar properties. This amino acid position is well conserved in available vertebrate species. In addition, this alteration is predicted to be tolerated by in silico analysis. Based on the available evidence, the clinical significance of this variant remains unclear.

NM_005228.5(EGFR):c.3250G>A (p.Asp1084Asn)

Gene: EGFR (epidermal growth factor receptor; plus strand). Cytogenetic location: 7p11.2.
Variant type: single nucleotide variant.
Coding change: c.3250G>A on transcript NM_005228.5 (MANE Select); coding-DNA position 3250, G replaced by A.
Protein change: p.Asp1084Asn; replaces aspartic acid 1084 with asparagine.
Molecular consequence: missense variant.
Genome position (GRCh38, 1-based): chr7:55,202,604, G>A. VCF-style: chr7-55202604-G-A. GRCh37 (hg19) VCF-style: chr7-55270297-G-A.
Other names: c.3115G>A, p.Asp1039Asn (NM_001346897.2, NM_001346899.2); c.3250G>A, p.Asp1084Asn (NM_001346898.2); c.3091G>A, p.Asp1031Asn (NM_001346900.2); c.2449G>A, p.Asp817Asn (NM_001346941.2); c.3250G>A (NM_005228.3); short protein forms D1031N, D1039N, D1084N, D817N.
Identifiers: ClinVar variation 1052957 (VCV001052957.8), dbSNP rs535060253, ClinGen allele CA158938604.